The following is an entry in ClinVar:

ClinVar aggregate classification (germline): Uncertain significance (1 of 4 stars; one submission).

Submission:

Labcorp Genetics (formerly Invitae), Labcorp
Classification: Uncertain significance. Last evaluated: 2022-12-31. Review status: criteria provided, single submitter. Criteria: Invitae Variant Classification Sherloc (09022015). Collection method: clinical testing. Allele origin: germline.
Comment: This variant, c.3743_3748dup, results in the insertion of 2 amino acid(s) of the RAI1 protein (p.Ser1248_Ser1249dup), but otherwise preserves the integrity of the reading frame. In summary, the available evidence is currently insufficient to determine the role of this variant in disease. Therefore, it has been classified as a Variant of Uncertain Significance. Experimental studies and prediction algorithms are not available or were not evaluated, and the functional significance of this variant is currently unknown. This variant has not been reported in the literature in individuals affected with RAI1-related conditions. This variant is present in population databases (rs760919336, gnomAD 0.007%).

NM_030665.4(RAI1):c.3731GCA[8] (p.Ser1248_Ser1249dup)

Gene: RAI1 (retinoic acid induced 1; plus strand). Cytogenetic location: 17p11.2.
Variant type: Microsatellite.
Coding change: c.3731GCA[8] on transcript NM_030665.4 (MANE Select); eight copies in a row of the 3-base unit GCA starting at c.3731; the reference has six copies in a row; two copies, 6 bases duplicated.
Protein change: p.Ser1248_Ser1249dup.
Molecular consequence: inframe insertion.
Genome position (GRCh38, 1-based): chr17:17,796,691-17,796,696, GCAGCA duplicated; duplicating any 6 consecutive bases within chr17:17,796,679-17,796,696 gives the same sequence; the position shown is the placement nearest the transcript's 3' end. VCF-style (leftmost placement, unchanged base first): chr17-17796678-C-CGCAGCA. GRCh37 (hg19) VCF-style: chr17-17699992-C-CGCAGCA.
Identifiers: ClinVar variation 1357482 (VCV001357482.8), dbSNP rs760919336, ClinGen allele CA8418807.